The following is an entry in ClinVar:

NM_001354604.2(MITF):c.406C>T (p.Arg136Trp)

Gene: MITF (melanocyte inducing transcription factor; plus strand). Cytogenetic location: 3p13.
Variant type: single nucleotide variant.
Coding change: c.406C>T on transcript NM_001354604.2 (MANE Select); coding-DNA position 406, C replaced by T.
Protein change: p.Arg136Trp; replaces arginine 136 with tryptophan.
Molecular consequence: missense variant.
Genome position (GRCh38, 1-based): chr3:69,937,873, C>T. VCF-style: chr3-69937873-C-T. GRCh37 (hg19) VCF-style: chr3-69987024-C-T.
Other names: c.85C>T, p.Arg29Trp (NM_000248.4, NM_001184968.2, NM_198158.3 and 1 more transcripts); c.250C>T, p.Arg84Trp (NM_001184967.2, NM_001354608.2); c.403C>T, p.Arg135Trp (NM_001354605.2, NM_001354606.2, NM_006722.3); c.355C>T, p.Arg119Trp (NM_001354607.2); c.406C>T, p.Arg136Trp (NM_198159.3); c.358C>T, p.Arg120Trp (NM_198177.3); short protein forms R119W, R120W, R135W, R136W, R29W, R84W.
Identifiers: ClinVar variation 1712608 (VCV001712608.9), dbSNP rs200583343, ClinGen allele CA2490353.

ClinVar aggregate classification (germline): Uncertain significance. Review status: criteria provided, multiple submitters, no conflicts (2 of 4 stars). 3 submissions from 3 submitters: Uncertain significance (3). Last evaluated 2026-01-04.

Conditions:
Hereditary cancer-predisposing syndrome. Also called: Neoplastic Syndromes, Hereditary; Tumor predisposition; Hereditary Cancer Syndrome; Hereditary neoplastic syndrome. Identifiers: Orphanet 140162, MedGen C0027672, MeSH D009386, MONDO:0015356.
Tietz syndrome (TADS). Also called: ALBINISM-DEAFNESS OF TIETZ; HYPOPIGMENTATION/DEAFNESS OF TIETZ; TIETZ ALBINISM-DEAFNESS SYNDROME. Identifiers: Orphanet 42665, MedGen C0391816, MONDO:0007077, OMIM 103500.
Waardenburg syndrome type 2A (WS2A). Also called: WAARDENBURG SYNDROME WITHOUT DYSTOPIA CANTHORUM. Identifiers: Orphanet 3440, MedGen C1860339, MONDO:0008671, OMIM 193510.
Melanoma, cutaneous malignant, susceptibility to, 8. Also called: Cutaneous malignant melanoma 8; MELANOMA AND RENAL CELL CARCINOMA, SUSCEPTIBILITY TO. Identifiers: Orphanet 293822, MedGen C3152204, MONDO:0013759, OMIM 614456.

Allele frequency attached by ClinVar (database versions not stated): gnomAD exomes 0.00001; TOPMed 0.00001; ExAC 0.00002; 1000 Genomes Project 0.00040; 1000 Genomes Project 30x 0.00047.
gnomAD v4.1: 12 of 1,614,092 alleles (0.00074%); highest among the groups gnomAD compares: Admixed American, 0.015%; no homozygotes.

Submissions (3):

Labcorp Genetics (formerly Invitae), Labcorp
Classification: Uncertain significance for Melanoma, cutaneous malignant, susceptibility to, 8; Waardenburg syndrome type 2A; Tietz syndrome. Last evaluated: 2026-01-04. Review status: criteria provided, single submitter. Criteria: Invitae Variant Classification Sherloc (09022015). Collection method: clinical testing. Allele origin: germline.
Comment: This sequence change replaces arginine, which is basic and polar, with tryptophan, which is neutral and slightly polar, at codon 29 of the MITF protein (p.Arg29Trp). This variant is present in population databases (rs200583343, gnomAD 0.02%). This variant has not been reported in the literature in individuals affected with MITF-related conditions. ClinVar contains an entry for this variant (Variation ID: 1712608). Invitae Evidence Modeling of protein sequence and biophysical properties (such as structural, functional, and spatial information, amino acid conservation, physicochemical variation, residue mobility, and thermodynamic stability) indicates that this missense variant is expected to disrupt MITF protein function with a positive predictive value of 80%. In summary, the available evidence is currently insufficient to determine the role of this variant in disease. Therefore, it has been classified as a Variant of Uncertain Significance.

Ambry Genetics
Classification: Uncertain significance for Hereditary cancer-predisposing syndrome. Last evaluated: 2024-12-14. Review status: criteria provided, single submitter. Criteria: Ambry Variant Classification Scheme 2023. Collection method: clinical testing. Allele origin: germline.
Comment: The p.R29W variant (also known as c.85C>T), located in coding exon 2 of the MITF gene, results from a C to T substitution at nucleotide position 85. The arginine at codon 29 is replaced by tryptophan, an amino acid with dissimilar properties. This amino acid position is conserved. In addition, the in silico prediction for this alteration is inconclusive. Based on the available evidence, the clinical significance of this variant remains unclear.

GeneDx
Classification: Uncertain significance. Last evaluated: 2022-04-27. Review status: criteria provided, single submitter. Criteria: GeneDx Variant Classification Process June 2021. Collection method: clinical testing. Allele origin: germline. Affected: yes.
Comment: In silico analysis supports that this missense variant has a deleterious effect on protein structure/function; Has not been previously published as pathogenic or benign to our knowledge